The following is an entry in ClinVar:

NM_000246.4(CIITA):c.898A>C (p.Met300Leu)

Gene: CIITA (class II major histocompatibility complex transactivator; plus strand). Cytogenetic location: 16p13.13.
Variant type: single nucleotide variant.
Coding change: c.898A>C on transcript NM_000246.4 (MANE Select); coding-DNA position 898, A replaced by C.
Protein change: p.Met300Leu; replaces methionine 300 with leucine.
Molecular consequence: missense variant. On other transcripts: non-coding transcript variant (1).
Genome position (GRCh38, 1-based): chr16:10,903,856, A>C. VCF-style: chr16-10903856-A-C. GRCh37 (hg19) VCF-style: chr16-10997713-A-C.
Other names: c.901A>C, p.Met301Leu (NM_001286402.1, NM_001379332.1); c.751A>C, p.Met251Leu (NM_001286403.2, NM_001379331.1); c.754A>C, p.Met252Leu (NM_001379330.1); c.898A>C, p.Met300Leu (NM_001379333.1); c.829A>C, p.Met277Leu (NM_001379334.1); short protein forms M301L, M251L, M300L, M252L, M277L.
Identifiers: ClinVar variation 656638 (VCV000656638.8), dbSNP rs747702495, ClinGen allele CA394729338.

ClinVar aggregate classification (germline): Uncertain significance (1 of 4 stars; one submission).

Conditions:
MHC class II deficiency. Also called: Bare lymphocyte syndrome 2; BLS, TYPE II. Identifiers: Orphanet 572, MedGen C5447452, MONDO:0008855.

Submission:

Labcorp Genetics (formerly Invitae), Labcorp
Classification: Uncertain significance for MHC class II deficiency. Last evaluated: 2018-12-15. Review status: criteria provided, single submitter. Criteria: Invitae Variant Classification Sherloc (09022015). Collection method: clinical testing. Allele origin: germline.
Comment: In summary, the available evidence is currently insufficient to determine the role of this variant in disease. Therefore, it has been classified as a Variant of Uncertain Significance. Algorithms developed to predict the effect of missense changes on protein structure and function (SIFT, PolyPhen-2, Align-GVGD) all suggest that this variant is likely to be tolerated, but these predictions have not been confirmed by published functional studies and their clinical significance is uncertain. This variant has not been reported in the literature in individuals with CIITA-related conditions. This variant is not present in population databases (ExAC no frequency). This sequence change replaces methionine with leucine at codon 300 of the CIITA protein (p.Met300Leu). The methionine residue is moderately conserved and there is a small physicochemical difference between methionine and leucine.